The following is an entry in ClinVar:

NM_182978.4(GNAL):c.413A>G (p.Gln138Arg)

Gene: GNAL (G protein subunit alpha L; plus strand). Cytogenetic location: 18p11.21.
Variant type: single nucleotide variant.
Coding change: c.413A>G on transcript NM_182978.4 (MANE Select); coding-DNA position 413, A replaced by G.
Protein change: p.Gln138Arg; replaces glutamine 138 with arginine.
Molecular consequence: missense variant.
Genome position (GRCh38, 1-based): chr18:11,752,889, A>G. VCF-style: chr18-11752889-A-G. GRCh37 (hg19) VCF-style: chr18-11752888-A-G.
Other names: c.182A>G, p.Gln61Arg (NM_001142339.3, NM_001261443.2, NM_001369387.1); short protein forms Q138R, Q61R.
Identifiers: ClinVar variation 4891452 (VCV004891452.1).

ClinVar aggregate classification (germline): Uncertain significance (1 of 4 stars; one submission).

Submission:

GeneDx
Classification: Uncertain significance. Last evaluated: 2026-03-08. Review status: criteria provided, single submitter. Criteria: GeneDx Variant Classification Process June 2021. Collection method: clinical testing. Allele origin: germline.
Comment: Reported in proband and parent with familial dystonia in the published literature (PMID: 30964956); Not observed at significant frequency in large population cohorts (gnomAD); In silico analysis supports that this missense variant has a deleterious effect on protein structure/function; Also known as c.413A>G, p.Gln138Arg; This variant is associated with the following publications: (PMID: 30964956)